The following is an entry in ClinVar:

ClinVar aggregate classification (germline): Conflicting classifications of pathogenicity. Review status: criteria provided, conflicting classifications (1 of 4 stars). 19 submissions from 19 submitters: Uncertain significance (14); Likely benign (2). 3 of the submissions do not count toward it. Last evaluated 2026-08-03.

Conditions:
Fanconi anemia, complementation group S (FANCS). Identifiers: MedGen C4554406, MONDO:0054748, OMIM 617883.
BRCA1-related cancer predisposition. Identifiers: MedGen CN377757, MONDO:0700268.
BRCA1-related disorder. Also called: BRCA1-related condition.
Hereditary cancer-predisposing syndrome. Also called: Hereditary Cancer Syndrome; Tumor predisposition; Neoplastic Syndromes, Hereditary; Hereditary neoplastic syndrome. Identifiers: Orphanet 140162, MedGen C0027672, MeSH D009386, MONDO:0015356.
Hereditary breast ovarian cancer syndrome. Also called: Breast and ovarian cancer; BRCA1- and BRCA2-Associated Hereditary Breast and Ovarian Cancer; Hereditary breast and ovarian cancer; Hereditary breast and ovarian cancer syndrome (HBOC); Hereditary breast and ovarian cancer syndrome; Hereditary breast and/or ovarian cancer syndrome. Identifiers: Orphanet 145, MedGen C0677776, MeSH D061325, MONDO:0003582. Disease mechanism: loss of function.
Breast-ovarian cancer, familial, susceptibility to, 1 (BROVCA1). Also called: BRCA1 Hereditary Breast and Ovarian Cancer; OVARIAN CANCER, SUSCEPTIBILITY TO. Identifiers: Orphanet 145, MedGen C2676676, MONDO:0011450, OMIM 604370. Disease mechanism: loss of function.

Allele frequency attached by ClinVar (database versions not stated): gnomAD exomes below 0.00001; gnomAD 0.00001; TOPMed 0.00001.
gnomAD v4.1: 3 of 1,614,094 alleles (0.00019%); highest among the groups gnomAD compares: Middle Eastern, 0.016%; no homozygotes.

Submissions 1 to 8 of 19:

PreventionGenetics, part of Exact Sciences
Classification: Uncertain significance for BRCA1-related condition. Last evaluated: 2026-08-03. Review status: criteria provided, single submitter. Criteria: ACMG Guidelines, 2015. Collection method: clinical testing. Allele origin: germline.
Comment: The BRCA1 c.3587C>T variant is predicted to result in the amino acid substitution p.Thr1196Ile. This variant has been reported in individuals with breast and/or ovarian cancer (Table 2, Riahi et al. 2015. PubMed: 24372583; Table 4, Riahi et al. 2016. PubMed ID: 27211102; Table S5, Alhuqail et al. 2018. PubMed ID: 29297111; Table 4, Laraqui et al. 2021. PubMed ID: 34646395). It is reported in 1 of ~251,000 alleles in gnomAD and has conflicting interpretations in ClinVar ranging from likely benign to uncertain (Variation ID: 54926). At this time, the clinical significance of this variant is uncertain due to the absence of conclusive functional and genetic evidence.

Quest Diagnostics Nichols Institute San Juan Capistrano
Classification: Uncertain significance. Last evaluated: 2025-10-27. Review status: criteria provided, single submitter. Criteria: Quest Diagnostics criteria. Collection method: clinical testing. Allele origin: unknown.
Comment: The BRCA1 c.3587C>T (p.Thr1196Ile) variant has been reported in the published literature in individuals with breast and/or ovarian cancer (PMIDs: 24372583 (2015), 27211102 (2016), 29297111 (2018), 34646395 (2021), 35402282 (2022), and 37335020 (2023)). It was also reported in an individual with pancreatic cancer (PMID: 35171259 (2022)). It has been described to be located in a region of the BRCA1 gene that is tolerant to missense sequence changes (PMID: 31911673 (2020)). The frequency of this variant in the general population (Genome Aggregation Database) is uninformative in the assessment of its pathogenicity. Analysis of this variant using bioinformatics tools for the prediction of the effect of amino acid changes on protein structure and function yielded predictions that this variant is benign. Based on the available information, we are unable to determine the clinical significance of this variant.

Labcorp Genetics (formerly Invitae), Labcorp
Classification: Uncertain significance for Hereditary breast ovarian cancer syndrome. Last evaluated: 2025-10-23. Review status: criteria provided, single submitter. Criteria: Invitae Variant Classification Sherloc (09022015). Collection method: clinical testing. Allele origin: germline.
Comment: This sequence change replaces threonine, which is neutral and polar, with isoleucine, which is neutral and non-polar, at codon 1196 of the BRCA1 protein (p.Thr1196Ile). This variant is present in population databases (rs80356944, gnomAD 0.0009%). This missense change has been observed in individual(s) with breast and/or ovarian cancer (PMID: 24372583, 27211102, 29297111, 34646395, 35171259). ClinVar contains an entry for this variant (Variation ID: 54926). Invitae Evidence Modeling of protein sequence and biophysical properties (such as structural, functional, and spatial information, amino acid conservation, physicochemical variation, residue mobility, and thermodynamic stability) indicates that this missense variant is not expected to disrupt BRCA1 protein function with a negative predictive value of 80%. In summary, the available evidence is currently insufficient to determine the role of this variant in disease. Therefore, it has been classified as a Variant of Uncertain Significance.

GeneDx
Classification: Uncertain significance. Last evaluated: 2025-09-10. Review status: criteria provided, single submitter. Criteria: GeneDx Variant Classification Process June 2021. Collection method: clinical testing. Allele origin: germline. Affected: yes.
Comment: Not observed at significant frequency in large population cohorts (gnomAD); In silico analysis supports that this missense variant has a deleterious effect on protein structure/function; Also known as 3706C>T; This variant is associated with the following publications: (PMID: 24372583, 27211102, 26295337, 29297111, 10923033, 23704879, 34646395, 31131967, 29884841, 35402282, 32377563, 37335020, 35171259, 40681599)

Center for Genomic Medicine, Rigshospitalet, Copenhagen University Hospital
Classification: Uncertain significance. Last evaluated: 2025-03-04. Review status: criteria provided, single submitter. Criteria: ACMG Guidelines, 2015. Collection method: clinical testing. Allele origin: germline.

Department of Pathology and Laboratory Medicine, Sinai Health System
Classification: Likely benign for Fanconi anemia, complementation group S. Last evaluated: 2025-01-07. Review status: criteria provided, single submitter. Criteria: ACMG Guidelines, 2015. Collection method: clinical testing. Allele origin: germline.

Ambry Genetics
Classification: Uncertain significance for Hereditary cancer-predisposing syndrome. Last evaluated: 2024-09-21. Review status: criteria provided, single submitter. Criteria: Ambry Variant Classification Scheme 2023. Collection method: clinical testing. Allele origin: germline.
Comment: The p.T1196I variant (also known as c.3587C>T), located in coding exon 9 of the BRCA1 gene, results from a C to T substitution at nucleotide position 3587. The threonine at codon 1196 is replaced by isoleucine, an amino acid with similar properties. This variant has been reported in multiple individuals with features consistent with BRCA1-related cancer predisposition (Riahi A et al. Clin Genet, 2015 Feb;87:155-60; Alhuqail AJ et al. Breast Cancer Res Treat, 2018 Apr;168:695-702; Laraqui A et al. J Genomics, 2021 Sep;9:43-54; Khandakji M et al. Physiol Genomics, 2023 Aug;55:315-323; Yin L et al. JAMA Netw Open, 2022 Feb;5:e2148721; Abdel-Razeq H et al. Front Oncol, 2022 Mar;12:673094). This amino acid position is not well conserved in available vertebrate species. In addition, the in silico prediction for this alteration is inconclusive. Based on the available evidence, the clinical significance of this variant remains unclear.

All of Us Research Program, National Institutes of Health
Classification: Uncertain significance for BRCA1-related cancer predisposition. Last evaluated: 2024-04-16. Review status: criteria provided, single submitter. Criteria: ACMG Guidelines, 2015. Collection method: clinical testing. Allele origin: germline. Inheritance: Autosomal dominant inheritance. Observed: 4 variant alleles, 4 heterozygotes.
Comment: This missense variant replaces threonine with isoleucine at codon 1196 of the BRCA1 protein. Computational prediction suggests that this variant may not impact protein structure and function (internally defined REVEL score threshold <= 0.5, PMID: 27666373). To our knowledge, functional studies have not been reported for this variant. This variant has been reported in 5 individuals affected with breast or ovarian cancer (PMID: 24372583, 29297111, 34646395, 35402282). This variant has been identified in 1/250882 chromosomes in the general population by the Genome Aggregation Database (gnomAD). Although there is a suspicion that this variant may be associated with disease, additional functional studies are necessary to determine the role of this variant in disease conclusively. Therefore, this variant is classified as a Variant of Uncertain Significance

This study involves interpretation of variants in research participants for the purpose of population health screening. Participant phenotype was not available at the time of variant classification. Additional details can be found in publication PMID: 35346344, PMCID: PMC8962531

NM_007294.4(BRCA1):c.3587C>T (p.Thr1196Ile)

Genes: BRCA1 (BRCA1 DNA repair associated; minus strand), LOC126862571 (BRD4-independent group 4 enhancer GRCh37_chr17:41243136-41244335; plus strand). Cytogenetic location: 17q21.31.
Variant type: single nucleotide variant.
Coding change: c.3587C>T on transcript NM_007294.4 (MANE Select); coding-DNA position 3587, C replaced by T.
Protein change: p.Thr1196Ile; replaces threonine 1196 with isoleucine.
Molecular consequence: missense variant. On other transcripts: intron variant (135).
Genome position (GRCh38, 1-based): chr17:43,091,944, G>A on the plus strand (C>T on the coding strand, the complement: BRCA1 is on the minus strand). VCF-style: chr17-43091944-G-A. GRCh37 (hg19) VCF-style: chr17-41243961-G-A.
Other names: c.3587C>T (NM_007300.3); c.3587C>T, p.Thr1196Ile (NM_001407652.1, NM_001407684.1, NM_001407854.1 and 30 more transcripts); c.3509C>T, p.Thr1170Ile (NM_001407653.1, NM_001407654.1, NM_001407655.1 and 4 more transcripts); c.3506C>T, p.Thr1169Ile (NM_001407659.1, NM_001407660.1, NM_001407661.1 and 1 more transcripts); c.3464C>T, p.Thr1155Ile (NM_001407664.1, NM_001407665.1, NM_001407666.1 and 19 more transcripts); c.3461C>T, p.Thr1154Ile (NM_001407670.1, NM_001407671.1, NM_001407672.1 and 11 more transcripts); c.3446C>T, p.Thr1149Ile (NM_001407692.1, NM_001407694.1, NM_001407695.1 and 29 more transcripts); c.3443C>T, p.Thr1148Ile (NM_001407740.1, NM_001407741.1, NM_001407742.1 and 20 more transcripts); and 42 more; short protein forms T1196I, T1149I, T1028I, T1068I, T1085I, T1129I, T1154I, T1193I.
Identifiers: ClinVar variation 54926 (VCV000054926.82), dbSNP rs80356944, ClinGen allele CA002289.
Genomic context (GRCh38, chr17:43,091,944, plus strand): 5'-AAGTTCTCTTCTGAGGACTCTAATTTCTTGGCCCCTCTTCGGTAACCCTGAGCCAAATGT[G>A]TATGGGTGAAAGGGCTAGGACTCCTGCTAAGCTCTCCTTTCTGGACGCTTTTGCTAAAAA-3'
Protein context (NP_009225.1, residues 1186-1206): LSRSPSPFTH[Thr1196Ile]HLAQGYRRGA